The following is an entry in ClinVar:

NM_133433.4(NIPBL):c.7474G>A (p.Asp2492Asn)

Gene: NIPBL (NIPBL cohesin loading factor; plus strand). Cytogenetic location: 5p13.2.
Variant type: single nucleotide variant.
Coding change: c.7474G>A on transcript NM_133433.4 (MANE Select); coding-DNA position 7474, G replaced by A.
Protein change: p.Asp2492Asn; replaces aspartic acid 2492 with asparagine.
Molecular consequence: missense variant.
Genome position (GRCh38, 1-based): chr5:37,058,954, G>A. VCF-style: chr5-37058954-G-A. GRCh37 (hg19) VCF-style: chr5-37059056-G-A.
Other names: c.7474G>A, p.Asp2492Asn (NM_001438586.1, NM_015384.5); short protein forms D2492N.
Identifiers: ClinVar variation 4120092 (VCV004120092.2).

ClinVar aggregate classification (germline): Uncertain significance. Review status: criteria provided, multiple submitters, no conflicts (2 of 4 stars). 2 submissions from 2 submitters: Uncertain significance (2). Last evaluated 2025-11-20.

Conditions:
Inborn genetic diseases. Identifiers: MedGen C0950123, MeSH D030342.

gnomAD v4.1: 23 of 1,614,182 alleles (0.0014%); highest among the groups gnomAD compares: Admixed American, 0.0033%; no homozygotes.

Submissions (2):

Women's Health and Genetics/Laboratory Corporation of America, LabCorp
Classification: Uncertain significance. Last evaluated: 2025-11-20. Review status: criteria provided, single submitter. Criteria: LabCorp Variant Classification Summary - May 2015. Collection method: clinical testing. Allele origin: germline.
Comment: Variant summary: NIPBL c.7474G>A (p.Asp2492Asn) results in a conservative amino acid change in the encoded protein sequence. Algorithms developed to predict the effect of missense changes on protein structure and function are either unavailable or do not agree on the potential impact of this missense change. The variant allele was found at a frequency of 4e-06 in 248984 control chromosomes. The available data on variant occurrences in the general population are insufficient to allow any conclusion about variant significance. To our knowledge, no occurrence of c.7474G>A in individuals affected with NIPBL-related conditions and no experimental evidence demonstrating its impact on protein function have been reported. ClinVar contains an entry for this variant (Variation ID: 4120092). Based on the evidence outlined above, the variant was classified as uncertain significance.

Ambry Genetics
Classification: Uncertain significance for Inborn genetic diseases. Last evaluated: 2025-08-27. Review status: criteria provided, single submitter. Criteria: Ambry Variant Classification Scheme 2023. Collection method: clinical testing. Allele origin: germline.